The following is an entry in ClinVar:

ClinVar aggregate classification (germline): Likely benign. Review status: criteria provided, multiple submitters, no conflicts (2 of 4 stars). 4 submissions from 4 submitters: Likely benign (4). Last evaluated 2025-11-26.

Conditions:
Cardiovascular phenotype. Identifiers: MedGen CN230736.
Arrhythmogenic right ventricular cardiomyopathy (ARVD). Also called: Arrhythmogenic cardiomyopathy; Cardiomyopathy, ARVC; Arrhythmogenic right ventricular dysplasia; Arrhythmogenic Right Ventricular Cardiomyopathy (ARVC). Identifiers: Orphanet 247, MedGen C0349788, MeSH D019571, MONDO:0016587. Disease mechanism: loss of function. Inheritance: Various modes of inheritance.
Cardiomyopathy (CMYO). Also called: Cardiomyopathies. Identifiers: Orphanet 167848, MedGen C0878544, MONDO:0004994, HP:0001638. Inheritance: Various modes of inheritance.
Arrhythmogenic right ventricular dysplasia 10. Also called: Arrhythmogenic Right Ventricular Dysplasia/Cardiomyopathy10; ARRHYTHMOGENIC RIGHT VENTRICULAR DYSPLASIA, FAMILIAL, 10; Arrhythmogenic right ventricular dysplasia/cardiomyopathy, type 10. Identifiers: MedGen C1857777, MONDO:0012434, OMIM 610193.

gnomAD v4.1: 13 of 1,614,156 alleles (0.00081%); highest among the groups gnomAD compares: South Asian, 0.0022%; no homozygotes.

Submissions (4):

Labcorp Genetics (formerly Invitae), Labcorp
Classification: Likely benign for Arrhythmogenic right ventricular dysplasia 10. Last evaluated: 2025-11-26. Review status: criteria provided, single submitter. Criteria: Invitae Variant Classification Sherloc (09022015). Collection method: clinical testing. Allele origin: germline.

Ambry Genetics
Classification: Likely benign for Cardiovascular phenotype. Last evaluated: 2024-04-27. Review status: criteria provided, single submitter. Criteria: Ambry Variant Classification Scheme 2023. Collection method: clinical testing. Allele origin: germline.

All of Us Research Program, National Institutes of Health
Classification: Likely benign for Arrhythmogenic right ventricular cardiomyopathy. Last evaluated: 2023-08-15. Review status: criteria provided, single submitter. Criteria: ACMG Guidelines, 2015. Collection method: clinical testing. Allele origin: germline. Inheritance: Autosomal dominant inheritance. Observed: 1 variant allele, 1 heterozygote.
Comment: This study involves interpretation of variants in research participants for the purpose of population health screening. Participant phenotype was not available at the time of variant classification. Additional details can be found in publication PMID: 35346344, PMCID: PMC8962531

Color Diagnostics, LLC DBA Color Health
Classification: Likely benign for Cardiomyopathy. Last evaluated: 2019-01-11. Review status: criteria provided, single submitter. Criteria: ACMG Guidelines, 2015. Collection method: clinical testing. Allele origin: germline.

NM_001943.5(DSG2):c.3039C>T (p.Tyr1013=)

Genes: DSG2 (desmoglein 2; plus strand), DSG2-AS1 (DSG2 antisense RNA 1; minus strand). Cytogenetic location: 18q12.1.
Variant type: single nucleotide variant.
Coding change: c.3039C>T on transcript NM_001943.5 (MANE Select); coding-DNA position 3039, C replaced by T.
Protein change: p.Tyr1013=; no amino-acid change (tyrosine 1013 retained).
Molecular consequence: synonymous variant.
Genome position (GRCh38, 1-based): chr18:31,546,425, C>T. VCF-style: chr18-31546425-C-T. GRCh37 (hg19) VCF-style: chr18-29126388-C-T.
Other names: c.3039C>T (NM_001943.3).
Identifiers: ClinVar variation 919290 (VCV000919290.5), dbSNP rs539821357, ClinGen allele CA047791.